The following is an entry in ClinVar:

ClinVar aggregate classification (germline): Uncertain significance. Review status: reviewed by expert panel (3 of 4 stars). 3 submissions from 3 submitters: Uncertain significance (1). 2 of the submissions do not count toward it. Last evaluated 2024-10-29.

Conditions:
Inborn genetic diseases. Identifiers: MedGen C0950123, MeSH D030342.
Hereditary thrombocytopenia and hematologic cancer predisposition syndrome. Identifiers: Orphanet 71290, MedGen CN281654, MONDO:0011071.
Hereditary thrombocytopenia and hematological cancer predisposition syndrome associated with RUNX1. Also called: Familial Platelet Disorder with Propensity to Acute Myelogenous Leukemia; Familial thrombocytopenia with propensity to acute myelogenous leukemia; PLATELET DISORDER, ASPIRIN-LIKE; RUNX1 Familial Platelet Disorder with Associated Myeloid Malignancies. Identifiers: Orphanet 71290, MedGen C1832388, MeSH C563324, MONDO:0100083, OMIM 601399.

Submissions (3):

ClinGen Myeloid Malignancy Variant Curation Expert Panel
Classification: Uncertain significance for Hereditary thrombocytopenia and hematologic cancer predisposition syndrome. Last evaluated: 2024-10-29. Review status: reviewed by expert panel. Criteria: ClinGen MyeloMalig ACMG Specifications v2. Collection method: curation. Allele origin: germline. Inheritance: Autosomal dominant inheritance.
Comment: NM_001754.5(RUNX1):c.1157C>G (p.Pro386Arg) is a missense variant which has a REVEL score < 0.50 (0.457) and a SpliceAI score ≤ 0.20 (0.0) (BP4). This variant is completely absent from all population databases with at least 20x coverage for RUNX1 (PM2_Supporting). In summary, the clinical significance of this variant is uncertain. ACMG/AMP criteria applied, as specified by the Myeloid Malignancy Variant Curation Expert Panel for RUNX1: BP4, PM2_supporting

Ambry Genetics
Classification: Uncertain significance for Inborn genetic diseases. Last evaluated: 2025-03-29. Review status: criteria provided, single submitter. Criteria: Ambry Variant Classification Scheme 2023. Collection method: clinical testing. Allele origin: germline. Not counted in ClinVar's aggregate classification.
Comment: The p.P386R variant (also known as c.1157C>G), located in coding exon 8 of the RUNX1 gene, results from a C to G substitution at nucleotide position 1157. The proline at codon 386 is replaced by arginine, an amino acid with dissimilar properties. This amino acid position is conserved. In addition, the in silico prediction for this alteration is inconclusive. Based on the available evidence, the clinical significance of this variant remains unclear.

Labcorp Genetics (formerly Invitae), Labcorp
Classification: Uncertain significance for Hereditary thrombocytopenia and hematological cancer predisposition syndrome associated with RUNX1. Last evaluated: 2023-04-19. Review status: criteria provided, single submitter. Criteria: Invitae Variant Classification Sherloc (09022015). Collection method: clinical testing. Allele origin: germline. Not counted in ClinVar's aggregate classification.
Comment: In summary, the available evidence is currently insufficient to determine the role of this variant in disease. Therefore, it has been classified as a Variant of Uncertain Significance. Advanced modeling of protein sequence and biophysical properties (such as structural, functional, and spatial information, amino acid conservation, physicochemical variation, residue mobility, and thermodynamic stability) performed at Invitae indicates that this missense variant is not expected to disrupt RUNX1 protein function. ClinVar contains an entry for this variant (Variation ID: 572890). This variant has not been reported in the literature in individuals affected with RUNX1-related conditions. This variant is not present in population databases (gnomAD no frequency). This sequence change replaces proline, which is neutral and non-polar, with arginine, which is basic and polar, at codon 386 of the RUNX1 protein (p.Pro386Arg).

NM_001754.5(RUNX1):c.1157C>G (p.Pro386Arg)

Gene: RUNX1 (RUNX family transcription factor 1; minus strand). Cytogenetic location: 21q22.12.
Variant type: single nucleotide variant.
Coding change: c.1157C>G on transcript NM_001754.5 (MANE Select); coding-DNA position 1157, C replaced by G.
Protein change: p.Pro386Arg; replaces proline 386 with arginine.
Molecular consequence: missense variant.
Genome position (GRCh38, 1-based): chr21:34,792,421, G>C on the plus strand (C>G on the coding strand, the complement: RUNX1 is on the minus strand). VCF-style: chr21-34792421-G-C. GRCh37 (hg19) VCF-style: chr21-36164718-G-C.
Other names: NM_001754.5(RUNX1):c.1157C>G; p.Pro386Arg; c.1076C>G, p.Pro359Arg (NM_001001890.3); short protein forms P386R, P359R.
Identifiers: ClinVar variation 572890 (VCV000572890.10), dbSNP rs1569002337, ClinGen allele CA410147924.